The following is an entry in ClinVar:

ClinVar aggregate classification (germline): Uncertain significance (1 of 4 stars; one submission).

Submission:

Labcorp Genetics (formerly Invitae), Labcorp
Classification: Uncertain significance. Last evaluated: 2023-08-04. Review status: criteria provided, single submitter. Criteria: Invitae Variant Classification Sherloc (09022015). Collection method: clinical testing. Allele origin: germline.
Comment: ClinVar contains an entry for this variant (Variation ID: 2128087). In summary, the available evidence is currently insufficient to determine the role of this variant in disease. Therefore, it has been classified as a Variant of Uncertain Significance. This variant has not been reported in the literature in individuals affected with CACNA1D-related conditions. This sequence change creates a premature translational stop signal (p.Leu1523Glnfs*4) in the CACNA1D gene. It is expected to result in an absent or disrupted protein product. However, the current clinical and genetic evidence is not sufficient to establish whether loss-of-function variants in CACNA1D cause disease. This variant is not present in population databases (gnomAD no frequency).

NM_001128840.3(CACNA1D):c.4501_4507dup (p.Leu1503fs)

Gene: CACNA1D (calcium voltage-gated channel subunit alpha1 D; plus strand). Cytogenetic location: 3p21.1.
Variant type: Duplication.
Coding change: c.4501_4507dup on transcript NM_001128840.3 (MANE Select); coding-DNA positions 4501 to 4507, 7 bases duplicated (AAACACC; older notation c.4501_4507dupAAACACC).
Protein change: p.Leu1503fs; shifts the reading frame from leucine 1503.
Molecular consequence: frameshift variant.
Genome position (GRCh38, 1-based): chr3:53,776,870-53,776,876, AAACACC duplicated. VCF-style (leftmost placement, unchanged base first): chr3-53776869-A-AAAACACC. GRCh37 (hg19) VCF-style: chr3-53810896-A-AAAACACC.
Other names: c.4561_4567dup, p.Leu1523fs (NM_000720.4); c.4456_4462dup, p.Leu1488fs (NM_001128839.3); short protein forms L1503fs, L1488fs, L1523fs.
Identifiers: ClinVar variation 2128087 (VCV002128087.4), dbSNP rs2474256888, ClinGen allele CA2580070298.